The following is an entry in ClinVar:

ClinVar aggregate classification (germline): Uncertain significance. Review status: criteria provided, multiple submitters, no conflicts (2 of 4 stars). 3 submissions from 3 submitters: Uncertain significance (3). Last evaluated 2024-07-10.

Conditions:
Cardiovascular phenotype. Identifiers: MedGen CN230736.
Hypertrophic cardiomyopathy. Also called: HYPERTROPHIC MYOCARDIOPATHY. Identifiers: Orphanet 217569, MedGen C0007194, MeSH D002312, MONDO:0005045, HP:0001639.

Allele frequency attached by ClinVar (database versions not stated): gnomAD exomes below 0.00001 and 0.00001; ExAC 0.00001.
gnomAD v4.1: 3 of 1,611,644 alleles (0.00019%); highest among the groups gnomAD compares: South Asian, 0.0022%; no homozygotes.

Submissions (3):

All of Us Research Program, National Institutes of Health
Classification: Uncertain significance for Hypertrophic cardiomyopathy. Last evaluated: 2024-07-10. Review status: criteria provided, single submitter. Criteria: ACMG Guidelines, 2015. Collection method: clinical testing. Allele origin: germline. Inheritance: Autosomal dominant inheritance. Observed: 1 variant allele, 1 heterozygote.
Comment: This missense variant replaces lysine with asparagine at codon 367 of the MYBPC3 protein. Computational prediction tools indicate that this variant has a neutral impact on protein structure and function. To our knowledge, functional studies have not been reported for this variant. This variant has not been reported in individuals affected with MYBPC3-related disorders in the literature. This variant has been identified in 1/244678 chromosomes in the general population by the Genome Aggregation Database (gnomAD). The available evidence is insufficient to determine the role of this variant in disease conclusively. Therefore, this variant is classified as a Variant of Uncertain Significance.

This study involves interpretation of variants in research participants for the purpose of population health screening. Participant phenotype was not available at the time of variant classification. Additional details can be found in publication PMID: 35346344, PMCID: PMC8962531

Ambry Genetics
Classification: Uncertain significance for Cardiovascular phenotype. Last evaluated: 2023-11-28. Review status: criteria provided, single submitter. Criteria: Ambry Variant Classification Scheme 2023. Collection method: clinical testing. Allele origin: germline.
Comment: The p.K367N variant (also known as c.1101G>T), located in coding exon 13 of the MYBPC3 gene, results from a G to T substitution at nucleotide position 1101. The lysine at codon 367 is replaced by asparagine, an amino acid with similar properties. This amino acid position is well conserved in available vertebrate species. In addition, this alteration is predicted to be tolerated by in silico analysis. Since supporting evidence is limited at this time, the clinical significance of this alteration remains unclear.

Labcorp Genetics (formerly Invitae), Labcorp
Classification: Uncertain significance for Hypertrophic cardiomyopathy. Last evaluated: 2022-03-18. Review status: criteria provided, single submitter. Criteria: Invitae Variant Classification Sherloc (09022015). Collection method: clinical testing. Allele origin: germline.
Comment: In summary, the available evidence is currently insufficient to determine the role of this variant in disease. Therefore, it has been classified as a Variant of Uncertain Significance. Algorithms developed to predict the effect of sequence changes on RNA splicing suggest that this variant may disrupt the consensus splice site. Algorithms developed to predict the effect of missense changes on protein structure and function are either unavailable or do not agree on the potential impact of this missense change (SIFT: "Deleterious"; PolyPhen-2: "Possibly Damaging"; Align-GVGD: "Class C0"). ClinVar contains an entry for this variant (Variation ID: 1021240). This variant has not been reported in the literature in individuals affected with MYBPC3-related conditions. The frequency data for this variant in the population databases is considered unreliable, as metrics indicate poor data quality at this position in the gnomAD database. This sequence change replaces lysine, which is basic and polar, with asparagine, which is neutral and polar, at codon 367 of the MYBPC3 protein (p.Lys367Asn).

NM_000256.3(MYBPC3):c.1101G>T (p.Lys367Asn)

Gene: MYBPC3 (myosin binding protein C3; minus strand). Cytogenetic location: 11p11.2.
Variant type: single nucleotide variant.
Coding change: c.1101G>T on transcript NM_000256.3 (MANE Select); coding-DNA position 1101, G replaced by T.
Protein change: p.Lys367Asn; replaces lysine 367 with asparagine.
Molecular consequence: missense variant.
Genome position (GRCh38, 1-based): chr11:47,343,614, C>A on the plus strand (G>T on the coding strand, the complement: MYBPC3 is on the minus strand). VCF-style: chr11-47343614-C-A. GRCh37 (hg19) VCF-style: chr11-47365165-C-A.
Other names: short protein forms K367N.
Identifiers: ClinVar variation 1021240 (VCV001021240.10), dbSNP rs753209030, ClinGen allele CA042781.